The following is an entry in ClinVar:

NM_025137.4(SPG11):c.528T>G (p.Ile176Met)

Gene: SPG11 (SPG11 vesicle trafficking associated, spatacsin; minus strand). Cytogenetic location: 15q21.1.
Variant type: single nucleotide variant.
Coding change: c.528T>G on transcript NM_025137.4 (MANE Select); coding-DNA position 528, T replaced by G.
Protein change: p.Ile176Met; replaces isoleucine 176 with methionine.
Molecular consequence: missense variant.
Genome position (GRCh38, 1-based): chr15:44,659,218, A>C on the plus strand (T>G on the coding strand, the complement: SPG11 is on the minus strand). VCF-style: chr15-44659218-A-C. GRCh37 (hg19) VCF-style: chr15-44951416-A-C.
Other names: c.528T>G, p.Ile176Met (NM_001160227.2, NM_001411132.1); short protein forms I176M.
Identifiers: ClinVar variation 2663471 (VCV002663471.1), dbSNP rs2505769382, ClinGen allele CA392237861.

ClinVar aggregate classification (germline): Uncertain significance (1 of 4 stars; one submission).

Submission:

GeneDx
Classification: Uncertain significance. Last evaluated: 2023-04-24. Review status: criteria provided, single submitter. Criteria: GeneDx Variant Classification Process June 2021. Collection method: clinical testing. Allele origin: germline. Affected: yes.
Comment: Not observed at significant frequency in large population cohorts (gnomAD); In silico analysis supports that this missense variant does not alter protein structure/function; Has not been previously published as pathogenic or benign to our knowledge; This variant is associated with the following publications: (PMID: 26556829)